The following is an entry in ClinVar:

ClinVar aggregate classification (germline): Pathogenic. Review status: reviewed by expert panel (3 of 4 stars). 3 submissions from 3 submitters: Pathogenic (1). 2 of the submissions do not count toward it. Last evaluated 2024-09-10.

Conditions:
Hereditary thrombocytopenia and hematologic cancer predisposition syndrome. Identifiers: Orphanet 71290, MedGen CN281654, MONDO:0011071.
Hereditary thrombocytopenia and hematological cancer predisposition syndrome associated with RUNX1. Also called: Familial Platelet Disorder with Propensity to Acute Myelogenous Leukemia; PLATELET DISORDER, ASPIRIN-LIKE; RUNX1 Familial Platelet Disorder with Associated Myeloid Malignancies; Familial thrombocytopenia with propensity to acute myelogenous leukemia. Identifiers: Orphanet 71290, MedGen C1832388, MeSH C563324, MONDO:0100083, OMIM 601399.

Submissions (3):

ClinGen Myeloid Malignancy Variant Curation Expert Panel
Classification: Pathogenic for Hereditary thrombocytopenia and hematologic cancer predisposition syndrome. Last evaluated: 2024-09-10. Review status: reviewed by expert panel. Criteria: ClinGen MyeloMalig ACMG Specifications v2. Collection method: curation. Allele origin: germline. Inheritance: Autosomal dominant inheritance.
Comment: There is RT-PCR assay evidence demonstrating that the NM_001754.4:c.508+3delA variant creates a cryptic splice donor site that is used and results in a frameshift and introduction of premature termination codon (PS3; PMID: 11830488). This variant was found to co-segregate with disease in multiple affected family members, with eight meioses observed in one family (PP1_Strong; PMID: 11830488). It is absent from all population databases with at least 20x coverage for RUNX1 (PM2_supporting). This intronic variant (in intron 5) is located in reference to the exon at positions +3 for donor splice site and has a predicted decrease in the score of the canonical splice site by at least 75% (measured by both MES and SSF). This variant has been reported in one proband meeting at least one of the RUNX1-phenotypic criteria (PS4_Supporting; PMID: 11830488). In summary, this variant meets criteria to be classified as pathogenic. ACMG/AMP criteria applied, as specified by the Myeloid Malignancy Variant Curation Expert Panel for RUNX1: PS3, PP1_Strong, PM2_supporting, PP3, PS4_Supporting.

Labcorp Genetics (formerly Invitae), Labcorp
Classification: Pathogenic for Hereditary thrombocytopenia and hematological cancer predisposition syndrome associated with RUNX1. Last evaluated: 2024-12-18. Review status: criteria provided, single submitter. Criteria: Invitae Variant Classification Sherloc (09022015). Collection method: clinical testing. Allele origin: germline. Not counted in ClinVar's aggregate classification.
Comment: This sequence change falls in intron 5 of the RUNX1 gene. It does not directly change the encoded amino acid sequence of the RUNX1 protein. RNA analysis indicates that this variant induces altered splicing and may result in an absent or altered protein product. This variant is not present in population databases (gnomAD no frequency). This variant has been observed in individual(s) with RUNX1-related conditions (PMID: 11830488). It has also been observed to segregate with disease in related individuals. ClinVar contains an entry for this variant (Variation ID: 14466). Algorithms developed to predict the effect of variants on gene product structure and function are not available or were not evaluated for this variant. Experimental studies have shown that this variant affects RUNX1 function (PMID: 11830488). Variants that disrupt the consensus splice site are a relatively common cause of aberrant splicing (PMID: 17576681, 9536098). Studies have shown that this variant results in activation of a cryptic splice site, and produces a non-functional protein and/or introduces a premature termination codon (PMID: 11830488). For these reasons, this variant has been classified as Pathogenic.

OMIM
Classification: Pathogenic for PLATELET DISORDER, FAMILIAL, WITH ASSOCIATED MYELOID MALIGNANCY. Last evaluated: 2002-02-15. Review status: no assertion criteria provided. Collection method: literature only. Allele origin: germline. Not counted in ClinVar's aggregate classification.

Literature cited by the submitters: PubMed 11830488 (cited by 3 submitters); PubMed 17576681 (cited by Labcorp Genetics (formerly Invitae), Labcorp); PubMed 9536098 (cited by Labcorp Genetics (formerly Invitae), Labcorp).

NM_001754.5(RUNX1):c.508+3del

Genes: RUNX1 (RUNX family transcription factor 1; minus strand), RUNX1-AS1 (RUNX1 antisense RNA 1; plus strand). Cytogenetic location: 21q22.12.
Variant type: Deletion.
Coding change: c.508+3del on transcript NM_001754.5 (MANE Select); 3 bases into the intron after coding-DNA position 508, one base deleted (A; older notation c.508+3delA).
Molecular consequence: intron variant.
Genome position (GRCh38, 1-based): chr21:34,880,554, T deleted on the plus strand (A on the coding strand, the reverse complement: RUNX1 is on the minus strand). VCF-style (leftmost placement, unchanged base first): chr21-34880553-GT-G. GRCh37 (hg19) VCF-style: chr21-36252850-GT-G.
Other names: NM_001754.4(RUNX1):c.508+3delA; c.427+3del (NM_001001890.3, NM_001122607.2); c.508+3delA (NM_001754.4).
Identifiers: ClinVar variation 14466 (VCV000014466.9), dbSNP rs587776810, ClinGen allele CA248618.